The following is an entry in ClinVar:

NM_001110556.2(FLNA):c.4084G>A (p.Gly1362Arg)

Gene: FLNA (filamin A; minus strand). Cytogenetic location: Xq28.
Variant type: single nucleotide variant.
Coding change: c.4084G>A on transcript NM_001110556.2 (MANE Select); coding-DNA position 4084, G replaced by A.
Protein change: p.Gly1362Arg; replaces glycine 1362 with arginine.
Molecular consequence: missense variant.
Genome position (GRCh38, 1-based): chrX:154,359,542, C>T on the plus strand (G>A on the coding strand, the complement: FLNA is on the minus strand). VCF-style: chrX-154359542-C-T. GRCh37 (hg19) VCF-style: chrX-153587910-C-T.
Other names: c.4084G>A (NM_001110556.1); c.4084G>A, p.Gly1362Arg (NM_001456.4); short protein forms G1362R.
Identifiers: ClinVar variation 1190326 (VCV001190326.11), dbSNP rs2148111460, ClinGen allele CA415219795.

ClinVar aggregate classification (germline): Uncertain significance. Review status: criteria provided, multiple submitters, no conflicts (2 of 4 stars). 4 submissions from 4 submitters: Uncertain significance (3). 1 of the submissions does not count toward it. Last evaluated 2025-07-10.

Conditions:
Heterotopia, periventricular, X-linked dominant (PVNH1). Also called: PERIVENTRICULAR NODULAR HETEROTOPIA 1; X-linked periventricular heterotopia; PERIVENTRICULAR NODULAR HETEROTOPIA 4; HETEROTOPIA, PERIVENTRICULAR, 1. Identifiers: Orphanet 2149, Orphanet 82004, MedGen C1848213, MONDO:0010233, OMIM 300049.
Melnick-Needles syndrome (MNS). Also called: MELNICK-NEEDLES OSTEODYSPLASTY; OSTEODYSPLASTY OF MELNICK AND NEEDLES; Melnick-Needles Syndrome (FLNA-MNS). Identifiers: Orphanet 2484, MedGen C0025237, MONDO:0010650, OMIM 309350.
Frontometaphyseal dysplasia (FMD1). Identifiers: Orphanet 1826, MedGen C0265293, MONDO:0015942.
Oto-palato-digital syndrome, type II (OPD2). Also called: FACIOPALATOOSSEOUS SYNDROME; OPD II SYNDROME; Otopalatodigital Syndrome Type 2 (FLNA-OPD2); Otopalatodigital Syndrome, Type II. Identifiers: Orphanet 669, Orphanet 90652, MedGen C1844696, MONDO:0010571, OMIM 304120.
Familial thoracic aortic aneurysm and aortic dissection (TAAD). Also called: Thoracic aortic aneurysms and dissections. Identifiers: Orphanet 91387, MedGen C4707243, MONDO:0019625.
FLNA-related disorder.

Submissions (4):

Ambry Genetics
Classification: Uncertain significance for Familial thoracic aortic aneurysm and aortic dissection. Last evaluated: 2025-07-10. Review status: criteria provided, single submitter. Criteria: Ambry Variant Classification Scheme 2023. Collection method: clinical testing. Allele origin: germline.
Comment: The p.G1362R variant (also known as c.4084G>A), located in coding exon 23 of the FLNA gene, results from a G to A substitution at nucleotide position 4084. The glycine at codon 1362 is replaced by arginine, an amino acid with dissimilar properties. This amino acid position is highly conserved in available vertebrate species. In addition, this alteration is predicted to be deleterious by in silico analysis. Since supporting evidence is limited at this time, the clinical significance of this alteration remains unclear.

Labcorp Genetics (formerly Invitae), Labcorp
Classification: Uncertain significance for Oto-palato-digital syndrome, type II; Heterotopia, periventricular, X-linked dominant; Frontometaphyseal dysplasia; Melnick-Needles syndrome. Last evaluated: 2025-01-07. Review status: criteria provided, single submitter. Criteria: Invitae Variant Classification Sherloc (09022015). Collection method: clinical testing. Allele origin: germline.
Comment: This sequence change replaces glycine, which is neutral and non-polar, with arginine, which is basic and polar, at codon 1362 of the FLNA protein (p.Gly1362Arg). This variant is not present in population databases (gnomAD no frequency). This variant has not been reported in the literature in individuals affected with FLNA-related conditions. ClinVar contains an entry for this variant (Variation ID: 1190326). Invitae Evidence Modeling of protein sequence and biophysical properties (such as structural, functional, and spatial information, amino acid conservation, physicochemical variation, residue mobility, and thermodynamic stability) has been performed for this missense variant. However, the output from this modeling did not meet the statistical confidence thresholds required to predict the impact of this variant on FLNA protein function. In summary, the available evidence is currently insufficient to determine the role of this variant in disease. Therefore, it has been classified as a Variant of Uncertain Significance.

GeneDx
Classification: Uncertain significance. Last evaluated: 2021-06-18. Review status: criteria provided, single submitter. Criteria: GeneDx Variant Classification Process June 2021. Collection method: clinical testing. Allele origin: germline. Affected: yes.
Comment: Not observed at significant frequency in large population cohorts (Lek et al., 2016); In silico analysis supports that this missense variant has a deleterious effect on protein structure/function; Has not been previously published as pathogenic or benign to our knowledge; This variant is associated with the following publications: (PMID: 27535533)

PreventionGenetics, part of Exact Sciences
Classification: Uncertain significance for FLNA-related condition. Last evaluated: 2024-02-16. Review status: no assertion criteria provided. Collection method: clinical testing. Allele origin: germline. Not counted in ClinVar's aggregate classification.
Comment: The FLNA c.4084G>A variant is predicted to result in the amino acid substitution p.Gly1362Arg. This variant has been reported, hemizygous, in one fetus with bilateral severe hydronephrosis (Miceikaite et al. 2023. PubMed ID: 37355983). This variant is absent from large population database, indicating this variant is rare. At this time, the clinical significance of this variant is uncertain due to the absence of conclusive functional and genetic evidence.